The following is an entry in ClinVar:

NM_000135.4(FANCA):c.-4G>C

Genes: FANCA (FA complementation group A; minus strand), LOC112486223 (Sharpr-MPRA regulatory region 3988; plus strand). Cytogenetic location: 16q24.3.
Variant type: single nucleotide variant.
Coding change: c.-4G>C on transcript NM_000135.4 (MANE Select); 4 bases upstream of the start codon, G replaced by C.
Molecular consequence: 5 prime UTR variant.
Genome position (GRCh38, 1-based): chr16:89,816,619, C>G on the plus strand (G>C on the coding strand, the complement: FANCA is on the minus strand). VCF-style: chr16-89816619-C-G. GRCh37 (hg19) VCF-style: chr16-89883027-C-G.
Other names: c.-4G>C (NM_001018112.3, NM_001286167.3, NM_001351830.2).
Identifiers: ClinVar variation 3572415 (VCV003572415.1).

ClinVar aggregate classification (germline): Uncertain significance (1 of 4 stars; one submission).

gnomAD v4.1: 2 of 1,522,828 alleles (0.00013%); highest among the groups gnomAD compares: African/African-American, 0.0028%; no homozygotes.

Submission:

Quest Diagnostics Nichols Institute San Juan Capistrano
Classification: Uncertain significance. Last evaluated: 2024-07-04. Review status: criteria provided, single submitter. Criteria: Quest Diagnostics criteria. Collection method: clinical testing. Allele origin: unknown.
Comment: The FANCA c.-4G>C variant has not been reported in individuals with FANCA-related conditions in the published literature. The frequency of this variant in the general population, 0.0000084 (1/118450 chromosomes (Genome Aggregation Database)), is uninformative in the assessment of its pathogenicity. Based on the available information, we are unable to determine the clinical significance of this variant.